The following is an entry in ClinVar:

NM_000285.4(PEPD):c.367G>A (p.Val123Met)

Gene: PEPD (peptidase D; minus strand). Cytogenetic location: 19q13.11.
Variant type: single nucleotide variant.
Coding change: c.367G>A on transcript NM_000285.4 (MANE Select); coding-DNA position 367, G replaced by A.
Protein change: p.Val123Met; replaces valine 123 with methionine.
Molecular consequence: missense variant. On other transcripts: intron variant (1).
Genome position (GRCh38, 1-based): chr19:33,500,964, C>T on the plus strand (G>A on the coding strand, the complement: PEPD is on the minus strand). VCF-style: chr19-33500964-C-T. GRCh37 (hg19) VCF-style: chr19-33991870-C-T.
Other names: c.367G>A, p.Val123Met (NM_001166056.2); c.202-7627G>A (NM_001166057.2); short protein forms V123M.
Identifiers: ClinVar variation 2081228 (VCV002081228.1), dbSNP rs776474982, ClinGen allele CA9364396.

ClinVar aggregate classification (germline): Uncertain significance (1 of 4 stars; one submission).

Allele frequency attached by ClinVar (database versions not stated): TOPMed 0.00001; gnomAD 0.00003; ExAC 0.00006.

Submission:

Labcorp Genetics (formerly Invitae), Labcorp
Classification: Uncertain significance. Last evaluated: 2022-08-20. Review status: criteria provided, single submitter. Criteria: Invitae Variant Classification Sherloc (09022015). Collection method: clinical testing. Allele origin: germline.
Comment: This sequence change replaces valine, which is neutral and non-polar, with methionine, which is neutral and non-polar, at codon 123 of the PEPD protein (p.Val123Met). This variant is present in population databases (rs776474982, gnomAD 0.02%). This variant has not been reported in the literature in individuals affected with PEPD-related conditions. Algorithms developed to predict the effect of missense changes on protein structure and function are either unavailable or do not agree on the potential impact of this missense change (SIFT: "Deleterious"; PolyPhen-2: "Probably Damaging"; Align-GVGD: "Class C0"). In summary, the available evidence is currently insufficient to determine the role of this variant in disease. Therefore, it has been classified as a Variant of Uncertain Significance.